The following is an entry in ClinVar:

NM_001184900.3(CARD8):c.973C>G (p.Pro325Ala)

Gene: CARD8 (caspase recruitment domain family member 8; minus strand). Cytogenetic location: 19q13.33.
Variant type: single nucleotide variant.
Coding change: c.973C>G on transcript NM_001184900.3 (MANE Select); coding-DNA position 973, C replaced by G.
Protein change: p.Pro325Ala; replaces proline 325 with alanine.
Molecular consequence: missense variant. On other transcripts: non-coding transcript variant (4).
Genome position (GRCh38, 1-based): chr19:48,230,500, G>C on the plus strand (C>G on the coding strand, the complement: CARD8 is on the minus strand). VCF-style: chr19-48230500-G-C. GRCh37 (hg19) VCF-style: chr19-48733757-G-C.
Other names: c.823C>G, p.Pro275Ala (NM_001184901.1, NM_001351783.2, NM_001351788.2 and 2 more transcripts); c.973C>G, p.Pro325Ala (NM_001184902.2, NM_001184903.1, NM_001351782.2); c.658C>G, p.Pro220Ala (NM_001351784.2, NM_001351787.2, NM_001351791.2 and 1 more transcripts); c.637C>G, p.Pro213Ala (NM_001351786.2); c.730C>G, p.Pro244Ala (NM_001351790.2); c.655C>G, p.Pro219Ala (NM_001365950.1); short protein forms P244A, P275A, P213A, P219A, P220A, P325A.
Identifiers: ClinVar variation 4714054 (VCV004714054.1).
Genomic context (GRCh38, chr19:48,230,500, plus strand): 5'-TTGTTAGCAAGGCGTCGCTGGGGACAAGGTACAAGTGGAACTTAATATCTTCGGGGTGGG[G>C]GTGATAATAGATCAATGTGTTGGAAGTGATGGGGATGGAGAGGCGAGTCCCACTGGCGAT-3'
Protein context (NP_001171829.1, residues 315-335): ITSNTLIYYH[Pro325Ala]HPEDIKFHLY

ClinVar aggregate classification (germline): Uncertain significance (1 of 4 stars; one submission).

Submission:

Labcorp Genetics (formerly Invitae), Labcorp
Classification: Uncertain significance. Last evaluated: 2025-04-09. Review status: criteria provided, single submitter. Criteria: Invitae Variant Classification Sherloc (09022015). Collection method: clinical testing. Allele origin: germline.
Comment: This sequence change replaces proline, which is neutral and non-polar, with alanine, which is neutral and non-polar, at codon 275 of the CARD8 protein (p.Pro275Ala). This variant is not present in population databases (gnomAD no frequency). This variant has not been reported in the literature in individuals affected with CARD8-related conditions. An algorithm developed to predict the effect of missense changes on protein structure and function (PolyPhen-2) suggests that this variant is likely to be tolerated. In summary, the available evidence is currently insufficient to determine the role of this variant in disease. Therefore, it has been classified as a Variant of Uncertain Significance.